The following is an entry in ClinVar:

ClinVar aggregate classification (germline): Likely benign (1 of 4 stars; one submission).

Submission:

CeGaT Center for Human Genetics Tuebingen
Classification: Likely benign. Last evaluated: 2026-05-01. Review status: criteria provided, single submitter. Criteria: CeGaT Center For Human Genetics Tuebingen Variant Classification Criteria Version 2. Collection method: clinical testing. Allele origin: germline. Affected: yes. Observed: 3 variant alleles.
Comment: CD163L1: PM2:Supporting, BP4, BP7

NM_174941.6(CD163L1):c.3279G>A (p.Glu1093=)

Gene: CD163L1 (CD163 molecule like 1; minus strand). Cytogenetic location: 12p13.31.
Variant type: single nucleotide variant.
Coding change: c.3279G>A on transcript NM_174941.6 (MANE Select); coding-DNA position 3279, G replaced by A.
Protein change: p.Glu1093=; no amino-acid change (glutamic acid 1093 retained).
Molecular consequence: synonymous variant.
Genome position (GRCh38, 1-based): chr12:7,374,572, C>T on the plus strand (G>A on the coding strand, the complement: CD163L1 is on the minus strand). VCF-style: chr12-7374572-C-T. GRCh37 (hg19) VCF-style: chr12-7527168-C-T.
Other names: c.3309G>A, p.Glu1103= (NM_001297650.2).
Identifiers: ClinVar variation 2642675 (VCV002642675.24), dbSNP rs1565779668, ClinGen allele CA478207498.